The following is an entry in ClinVar:

NM_005392.4(PHF2):c.1887A>G (p.Gly629=)

Gene: PHF2 (PHD finger protein 2; plus strand). Cytogenetic location: 9q22.31.
Variant type: single nucleotide variant.
Coding change: c.1887A>G on transcript NM_005392.4 (MANE Select); coding-DNA position 1887, A replaced by G.
Protein change: p.Gly629=; no amino-acid change (glycine 629 retained).
Molecular consequence: synonymous variant.
Genome position (GRCh38, 1-based): chr9:93,663,585, A>G. VCF-style: chr9-93663585-A-G. GRCh37 (hg19) VCF-style: chr9-96425867-A-G.
Identifiers: ClinVar variation 3057561 (VCV003057561.2), dbSNP rs199708981, ClinGen allele CA5132794.
Genomic context (GRCh38, chr9:93,663,585, plus strand): 5'-ACCTGACTCCTTACTGAAGATGGAAGAGGAGCAGAAGCTAGAGAAGTCGCCTCTAGCTGG[A>G]AACAAAGACAATAAGTTCTCTTTTTCTTTCTCCAACAAGAAACTCCTCGGGTATGTGAGT-3'
Protein context (NP_005383.3, residues 619-639): EQKLEKSPLA[Gly629=]NKDNKFSFSF

ClinVar aggregate classification (germline): Likely benign (0 of 4 stars; one submission).

Conditions:
PHF2-related disorder. Also called: PHF2-related condition.

Allele frequency attached by ClinVar (database versions not stated): ExAC 0.00004; gnomAD 0.00005; TOPMed 0.00007; ESP Exome Variant Server 0.00008.
gnomAD v4.1: 77 of 1,613,512 alleles (0.0048%); highest among the groups gnomAD compares: Non-Finnish European, 0.0062%; no homozygotes.

Submission:

PreventionGenetics, part of Exact Sciences
Classification: Likely benign for PHF2-related condition. Last evaluated: 2019-03-12. Review status: no assertion criteria provided. Collection method: clinical testing. Allele origin: germline.
Comment: This variant is classified as likely benign based on ACMG/AMP sequence variant interpretation guidelines (Richards et al. 2015 PMID: 25741868, with internal and published modifications).